The following is an entry in ClinVar:

NM_000081.4(LYST):c.4264del (p.Ala1422fs)

Gene: LYST (lysosomal trafficking regulator; minus strand). Cytogenetic location: 1q42.3.
Variant type: Deletion.
Coding change: c.4264del on transcript NM_000081.4 (MANE Select); coding-DNA position 4264, one base deleted (G; older notation c.4264delG).
Protein change: p.Ala1422fs; shifts the reading frame from alanine 1422.
Molecular consequence: frameshift variant.
Genome position (GRCh38, 1-based): chr1:235,791,978, C deleted on the plus strand (G on the coding strand, the reverse complement: LYST is on the minus strand); the first of 2 consecutive C bases (chr1:235,791,978-235,791,979); deleting either gives the same sequence. VCF-style (leftmost placement, unchanged base first): chr1-235791977-GC-G. GRCh37 (hg19) VCF-style: chr1-235955277-GC-G.
Other names: c.4264del, p.Ala1422fs (NM_001301365.1); short protein forms A1422fs.
Identifiers: ClinVar variation 2035081 (VCV002035081.4), dbSNP rs2526911861, ClinGen allele CA2580062336.

ClinVar aggregate classification (germline): Pathogenic (1 of 4 stars; one submission).

Conditions:
Chédiak-Higashi syndrome (CHS). Also called: Chediak-Higashi Syndrome. Identifiers: Orphanet 167, MedGen C0007965, MONDO:0008963, OMIM 214500.

Submission:

Labcorp Genetics (formerly Invitae), Labcorp
Classification: Pathogenic for Chédiak-Higashi syndrome. Last evaluated: 2022-10-10. Review status: criteria provided, single submitter. Criteria: Invitae Variant Classification Sherloc (09022015). Collection method: clinical testing. Allele origin: germline.
Comment: For these reasons, this variant has been classified as Pathogenic. This variant has not been reported in the literature in individuals affected with LYST-related conditions. This variant is not present in population databases (gnomAD no frequency). This sequence change creates a premature translational stop signal (p.Ala1422Profs*5) in the LYST gene. It is expected to result in an absent or disrupted protein product. Loss-of-function variants in LYST are known to be pathogenic (PMID: 9215679, 11857544).

Literature cited by the submitters: PubMed 9215679; PubMed 11857544.